The following is an entry in ClinVar:

ClinVar aggregate classification (germline): Uncertain significance. Review status: criteria provided, multiple submitters, no conflicts (2 of 4 stars). 2 submissions from 2 submitters: Uncertain significance (2). Last evaluated 2025-09-28.

Conditions:
Hereditary cancer-predisposing syndrome. Also called: Neoplastic Syndromes, Hereditary; Tumor predisposition; Hereditary neoplastic syndrome; Hereditary Cancer Syndrome. Identifiers: Orphanet 140162, MedGen C0027672, MeSH D009386, MONDO:0015356.
Familial cancer of breast. Also called: BREAST CANCER, FAMILIAL; Hereditary breast cancer; hereditary breast carcinoma. Identifiers: Orphanet 227535, MedGen C0346153, MONDO:0016419, OMIM 114480. Disease mechanism: loss of function.

Submissions (2):

Ambry Genetics
Classification: Uncertain significance for Hereditary cancer-predisposing syndrome. Last evaluated: 2025-09-28. Review status: criteria provided, single submitter. Criteria: Ambry Variant Classification Scheme 2023. Collection method: clinical testing. Allele origin: germline.

Labcorp Genetics (formerly Invitae), Labcorp
Classification: Uncertain significance for Familial cancer of breast. Last evaluated: 2023-12-15. Review status: criteria provided, single submitter. Criteria: Invitae Variant Classification Sherloc (09022015). Collection method: clinical testing. Allele origin: germline.
Comment: This sequence change replaces proline, which is neutral and non-polar, with leucine, which is neutral and non-polar, at codon 405 of the PALB2 protein (p.Pro405Leu). This variant is not present in population databases (gnomAD no frequency). This variant has not been reported in the literature in individuals affected with PALB2-related conditions. ClinVar contains an entry for this variant (Variation ID: 1364168). Advanced modeling of protein sequence and biophysical properties (such as structural, functional, and spatial information, amino acid conservation, physicochemical variation, residue mobility, and thermodynamic stability) performed at Invitae indicates that this missense variant is expected to disrupt PALB2 protein function with a positive predictive value of 80%. In summary, the available evidence is currently insufficient to determine the role of this variant in disease. Therefore, it has been classified as a Variant of Uncertain Significance.

NM_024675.4(PALB2):c.1214C>T (p.Pro405Leu)

Gene: PALB2 (partner and localizer of BRCA2; minus strand). Cytogenetic location: 16p12.2.
Variant type: single nucleotide variant.
Coding change: c.1214C>T on transcript NM_024675.4 (MANE Select); coding-DNA position 1214, C replaced by T.
Protein change: p.Pro405Leu; replaces proline 405 with leucine.
Molecular consequence: missense variant.
Genome position (GRCh38, 1-based): chr16:23,635,332, G>A on the plus strand (C>T on the coding strand, the complement: PALB2 is on the minus strand). VCF-style: chr16-23635332-G-A. GRCh37 (hg19) VCF-style: chr16-23646653-G-A.
Other names: c.1214C>T (NM_024675.3); short protein forms P405L.
Identifiers: ClinVar variation 1364168 (VCV001364168.8), dbSNP rs1555461396, ClinGen allele CA395133159.